The following is an entry in ClinVar:

ClinVar aggregate classification (germline): Uncertain significance (1 of 4 stars; one submission).

Allele frequency attached by ClinVar (database versions not stated): ESP Exome Variant Server 0.00008; ExAC 0.00001; gnomAD 0.00001.
gnomAD v4.1: 12 of 1,603,046 alleles (0.00075%); highest among the groups gnomAD compares: South Asian, 0.0011%; no homozygotes.

Submission:

Labcorp Genetics (formerly Invitae), Labcorp
Classification: Uncertain significance. Last evaluated: 2025-10-26. Review status: criteria provided, single submitter. Criteria: Invitae Variant Classification Sherloc (09022015). Collection method: clinical testing. Allele origin: germline.
Comment: This sequence change replaces aspartic acid, which is acidic and polar, with asparagine, which is neutral and polar, at codon 469 of the DDX58 protein (p.Asp469Asn). The frequency data for this variant in the population databases is considered unreliable, as metrics indicate poor data quality at this position in the gnomAD database. This variant has not been reported in the literature in individuals affected with DDX58-related conditions. ClinVar contains an entry for this variant (Variation ID: 2961261). Invitae Evidence Modeling of protein sequence and biophysical properties (such as structural, functional, and spatial information, amino acid conservation, physicochemical variation, residue mobility, and thermodynamic stability) indicates that this missense variant is not expected to disrupt DDX58 protein function with a negative predictive value of 80%. In summary, the available evidence is currently insufficient to determine the role of this variant in disease. Therefore, it has been classified as a Variant of Uncertain Significance.

NM_014314.4(RIGI):c.1405G>A (p.Asp469Asn)

Gene: RIGI (RNA sensor RIG-I; minus strand). Cytogenetic location: 9p21.1.
Variant type: single nucleotide variant.
Coding change: c.1405G>A on transcript NM_014314.4 (MANE Select); coding-DNA position 1405, G replaced by A.
Protein change: p.Asp469Asn; replaces aspartic acid 469 with asparagine.
Molecular consequence: missense variant.
Genome position (GRCh38, 1-based): chr9:32,485,250, C>T on the plus strand (G>A on the coding strand, the complement: RIGI is on the minus strand). VCF-style: chr9-32485250-C-T. GRCh37 (hg19) VCF-style: chr9-32485248-C-T.
Other names: c.796G>A, p.Asp266Asn (NM_001385912.1); c.1390G>A, p.Asp464Asn (NM_001385913.1); c.961G>A, p.Asp321Asn (NM_001385914.1); c.1399G>A, p.Asp467Asn (NM_001385907.1); c.1405G>A, p.Asp469Asn (NM_001385909.1); c.964G>A, p.Asp322Asn (NM_001385910.1); short protein forms D464N, D469N, D266N, D321N, D322N, D467N.
Identifiers: ClinVar variation 2961261 (VCV002961261.3), dbSNP rs368484093, ClinGen allele CA5019807.
Genomic context (GRCh38, chr9:32,485,250, plus strand): 5'-TTCTCTTTGCCAGACTCTCTGTGTCCCTCATCAGCTGAGCTATGATGTATTTAAATTTGT[C>T]GCTAATCCGTGATTCCACTTTCCTGAAAACTAGAGACGTCAAAAAAAAAAGAAAAAGAAA-3'
Protein context (NP_055129.2, residues 459-479): FFRKVESRIS[Asp469Asn]KFKYIIAQLM